The following is an entry in ClinVar:

NM_004370.6(COL12A1):c.5903A>G (p.Tyr1968Cys)

Gene: COL12A1 (collagen type XII alpha 1 chain; minus strand). Cytogenetic location: 6q13.
Variant type: single nucleotide variant.
Coding change: c.5903A>G on transcript NM_004370.6 (MANE Select); coding-DNA position 5903, A replaced by G.
Protein change: p.Tyr1968Cys; replaces tyrosine 1968 with cysteine.
Molecular consequence: missense variant.
Genome position (GRCh38, 1-based): chr6:75,131,974, T>C on the plus strand (A>G on the coding strand, the complement: COL12A1 is on the minus strand). VCF-style: chr6-75131974-T-C. GRCh37 (hg19) VCF-style: chr6-75841690-T-C.
Other names: c.5903A>G (NM_004370.5); c.5903A>G, p.Tyr1968Cys (NM_001424113.1); c.5882A>G, p.Tyr1961Cys (NM_001424114.1); c.5630A>G, p.Tyr1877Cys (NM_001424115.1); c.2411A>G, p.Tyr804Cys (NM_001424116.1, NM_080645.3); short protein forms Y804C, Y1961C, Y1877C, Y1968C.
Identifiers: ClinVar variation 2931817 (VCV002931817.5), dbSNP rs2533276534, ClinGen allele CA364732777.

ClinVar aggregate classification (germline): Uncertain significance. Review status: criteria provided, single submitter (1 of 4 stars). 2 submissions from 2 submitters: Uncertain significance (1). 1 of the submissions does not count toward it. Last evaluated 2023-10-16.

Conditions:
Ullrich congenital muscular dystrophy 2 (UCMD2). Identifiers: Orphanet 75840, MedGen C4225314, MONDO:0014654, OMIM 616470.
Bethlem myopathy 2 (BTHLM2). Identifiers: Orphanet 536516, Orphanet 610, MedGen C4225313, MONDO:0034022, OMIM 616471.
COL12A1-related disorder. Also called: COL12A1-related condition.

Allele frequency attached by ClinVar (database versions not stated): gnomAD exomes below 0.00001.
gnomAD v4.1: 1 of 1,614,096 alleles (0.000062%); highest among the groups gnomAD compares: Non-Finnish European, 0.000085%; no homozygotes.

Submissions (2):

Labcorp Genetics (formerly Invitae), Labcorp
Classification: Uncertain significance for Bethlem myopathy 2; Ullrich congenital muscular dystrophy 2. Last evaluated: 2023-10-16. Review status: criteria provided, single submitter. Criteria: Invitae Variant Classification Sherloc (09022015). Collection method: clinical testing. Allele origin: germline.
Comment: This sequence change replaces tyrosine, which is neutral and polar, with cysteine, which is neutral and slightly polar, at codon 1968 of the COL12A1 protein (p.Tyr1968Cys). This variant is not present in population databases (gnomAD no frequency). This variant has not been reported in the literature in individuals affected with COL12A1-related conditions. Advanced modeling of protein sequence and biophysical properties (such as structural, functional, and spatial information, amino acid conservation, physicochemical variation, residue mobility, and thermodynamic stability) has been performed at Invitae for this missense variant, however the output from this modeling did not meet the statistical confidence thresholds required to predict the impact of this variant on COL12A1 protein function. In summary, the available evidence is currently insufficient to determine the role of this variant in disease. Therefore, it has been classified as a Variant of Uncertain Significance.

PreventionGenetics, part of Exact Sciences
Classification: Uncertain significance for COL12A1-related condition. Last evaluated: 2024-02-05. Review status: no assertion criteria provided. Collection method: clinical testing. Allele origin: germline. Not counted in ClinVar's aggregate classification.
Comment: The COL12A1 c.5903A>G variant is predicted to result in the amino acid substitution p.Tyr1968Cys. To our knowledge, this variant has not been reported in the literature or in a large population database, indicating this variant is rare. At this time, the clinical significance of this variant is uncertain due to the absence of conclusive functional and genetic evidence.